The following is an entry in ClinVar:

NM_003737.4(DCHS1):c.3286C>T (p.Leu1096Phe)

Gene: DCHS1 (dachsous cadherin-related 1; minus strand). Cytogenetic location: 11p15.4.
Variant type: single nucleotide variant.
Coding change: c.3286C>T on transcript NM_003737.4 (MANE Select); coding-DNA position 3286, C replaced by T.
Protein change: p.Leu1096Phe; replaces leucine 1096 with phenylalanine.
Molecular consequence: missense variant.
Genome position (GRCh38, 1-based): chr11:6,632,226, G>A on the plus strand (C>T on the coding strand, the complement: DCHS1 is on the minus strand). VCF-style: chr11-6632226-G-A. GRCh37 (hg19) VCF-style: chr11-6653457-G-A.
Other names: short protein forms L1096F.
Identifiers: ClinVar variation 3692737 (VCV003692737.2).

ClinVar aggregate classification (germline): Uncertain significance (1 of 4 stars; one submission).

gnomAD v4.1: 2 of 1,613,312 alleles (0.00012%); highest among the groups gnomAD compares: Non-Finnish European, 0.00017%; no homozygotes.

Submission:

Labcorp Genetics (formerly Invitae), Labcorp
Classification: Uncertain significance. Last evaluated: 2024-09-03. Review status: criteria provided, single submitter. Criteria: Invitae Variant Classification Sherloc (09022015). Collection method: clinical testing. Allele origin: germline.
Comment: This sequence change replaces leucine, which is neutral and non-polar, with phenylalanine, which is neutral and non-polar, at codon 1096 of the DCHS1 protein (p.Leu1096Phe). This variant is not present in population databases (gnomAD no frequency). This variant has not been reported in the literature in individuals affected with DCHS1-related conditions. Invitae Evidence Modeling of protein sequence and biophysical properties (such as structural, functional, and spatial information, amino acid conservation, physicochemical variation, residue mobility, and thermodynamic stability) has been performed for this missense variant. However, the output from this modeling did not meet the statistical confidence thresholds required to predict the impact of this variant on DCHS1 protein function. In summary, the available evidence is currently insufficient to determine the role of this variant in disease. Therefore, it has been classified as a Variant of Uncertain Significance.